The following is an entry in ClinVar:

NM_006914.4(RORB):c.673G>T (p.Glu225Ter)

Gene: RORB (RAR related orphan receptor B; plus strand). Cytogenetic location: 9q21.13.
Variant type: single nucleotide variant.
Coding change: c.673G>T on transcript NM_006914.4 (MANE Select); coding-DNA position 673, G replaced by T.
Protein change: p.Glu225Ter; replaces glutamic acid 225 with a stop codon.
Molecular consequence: nonsense.
Genome position (GRCh38, 1-based): chr9:74,660,652, G>T. VCF-style: chr9-74660652-G-T. GRCh37 (hg19) VCF-style: chr9-77275568-G-T.
Other names: c.706G>T, p.Glu236Ter (NM_001365023.1); short protein forms E225*, E236*.
Identifiers: ClinVar variation 1384338 (VCV001384338.6), dbSNP rs2118510935, ClinGen allele CA373770425.

ClinVar aggregate classification (germline): Pathogenic (1 of 4 stars; one submission).

Submission:

Labcorp Genetics (formerly Invitae), Labcorp
Classification: Pathogenic. Last evaluated: 2021-04-16. Review status: criteria provided, single submitter. Criteria: Invitae Variant Classification Sherloc (09022015). Collection method: clinical testing. Allele origin: germline.
Comment: This variant has not been reported in the literature in individuals with RORB-related conditions. This variant is not present in population databases (ExAC no frequency). This sequence change creates a premature translational stop signal (p.Glu225*) in the RORB gene. It is expected to result in an absent or disrupted protein product. Loss-of-function variants in RORB are known to be pathogenic (PMID: 27352968). For these reasons, this variant has been classified as Pathogenic.

Literature cited by the submitters: PubMed 27352968.